The following is an entry in ClinVar:

NM_003839.4(TNFRSF11A):c.29C>G (p.Pro10Arg)

Genes: TNFRSF11A (TNF receptor superfamily member 11a; plus strand), LOC130062628 (ATAC-STARR-seq lymphoblastoid silent region 9505; plus strand). Cytogenetic location: 18q21.33.
Variant type: single nucleotide variant.
Coding change: c.29C>G on transcript NM_003839.4 (MANE Select); coding-DNA position 29, C replaced by G.
Protein change: p.Pro10Arg; replaces proline 10 with arginine.
Molecular consequence: missense variant.
Genome position (GRCh38, 1-based): chr18:62,325,381, C>G. VCF-style: chr18-62325381-C-G. GRCh37 (hg19) VCF-style: chr18-59992614-C-G.
Other names: c.29C>G, p.Pro10Arg (NM_001270949.2, NM_001270950.2, NM_001270951.2 and 1 more transcripts); short protein forms P10R.
Identifiers: ClinVar variation 1929215 (VCV001929215.5), dbSNP rs886054082, ClinGen allele CA402618650.

ClinVar aggregate classification (germline): Uncertain significance (1 of 4 stars; one submission).

gnomAD v4.1: 2 of 1,087,698 alleles (0.00018%); highest among the groups gnomAD compares: Non-Finnish European, 0.00022%; no homozygotes.

Submission:

Labcorp Genetics (formerly Invitae), Labcorp
Classification: Uncertain significance. Last evaluated: 2023-06-16. Review status: criteria provided, single submitter. Criteria: Invitae Variant Classification Sherloc (09022015). Collection method: clinical testing. Allele origin: germline.
Comment: In summary, the available evidence is currently insufficient to determine the role of this variant in disease. Therefore, it has been classified as a Variant of Uncertain Significance. Experimental studies and prediction algorithms are not available or were not evaluated, and the functional significance of this variant is currently unknown. ClinVar contains an entry for this variant (Variation ID: 1929215). This variant has not been reported in the literature in individuals affected with TNFRSF11A-related conditions. The frequency data for this variant in the population databases is considered unreliable, as metrics indicate insufficient coverage at this position in the gnomAD database. This sequence change replaces proline, which is neutral and non-polar, with arginine, which is basic and polar, at codon 10 of the TNFRSF11A protein (p.Pro10Arg).